The following is an entry in ClinVar:

NM_001130438.3(SPTAN1):c.3227del (p.Leu1076fs)

Gene: SPTAN1 (spectrin alpha, non-erythrocytic 1; plus strand). Cytogenetic location: 9q34.11.
Variant type: Deletion.
Coding change: c.3227del on transcript NM_001130438.3 (MANE Select); coding-DNA position 3227, one base deleted (T; older notation c.3227delT).
Protein change: p.Leu1076fs; shifts the reading frame from leucine 1076.
Molecular consequence: frameshift variant.
Genome position (GRCh38, 1-based): chr9:128,594,186, T deleted. VCF-style (leftmost placement, unchanged base first): chr9-128594185-CT-C. GRCh37 (hg19) VCF-style: chr9-131356464-CT-C.
Other names: c.3167del, p.Leu1056fs (NM_001195532.2, NM_001363765.2, NM_001375314.2 and 3 more transcripts); c.3227del, p.Leu1076fs (NM_001363759.2, NM_001375310.1, NM_001375311.2 and 4 more transcripts); c.3263del, p.Leu1088fs (NM_001375312.2, NM_001375318.1, NM_001438440.1); short protein forms L1056fs, L1076fs, L1088fs.
Identifiers: ClinVar variation 4813704 (VCV004813704.1).
Genomic context (GRCh38, chr9:128,594,185, plus strand): 5'-CAGCTAACTGCCTTCCTTGTCCCTCTTGTCACCCTCTTGAATTCCATCAGATATCATTCT[CT>C]GCTGGAACTGGGTGAGAAGCGTAAAGGCATGTTGGAGAAGAGTTGCAAGAAGTTTATGTT-3'

ClinVar aggregate classification (germline): Likely pathogenic (1 of 4 stars; one submission).

Conditions:
Developmental delay with or without epilepsy (DEVEP). Identifiers: MedGen C5882702, MONDO:0957815, OMIM 620540.

Submission:

Variantyx, Inc.
Classification: Likely pathogenic for Developmental delay with or without epilepsy. Last evaluated: 2026-01-20. Review status: criteria provided, single submitter. Criteria: Variantyx Assertion Criteria 2022. Collection method: clinical testing. Allele origin: germline. Inheritance: Autosomal recessive inheritance. Affected: yes.
Comment: This is a frameshift variant in the SPTAN1 gene (OMIM: 182810). Pathogenic variants in this gene have been associated with autosomal dominant developmental delay with or without epilepsy. This variant introduces a premature termination codon in exon 24 out of 56 and is expected to result in loss of function, which is a known disease mechanism for SPTAN1 in this disorder (PMID: 40023774) (PVS1). This variant is absent from control populations (PM2). Based on the current evidence, this variant is classified as likely pathogenic for autosomal dominant developmental delay with or without epilepsy.

Literature cited by the submitters: PubMed 40023774.